The following is an entry in ClinVar:

ClinVar aggregate classification (germline): Pathogenic. Review status: criteria provided, multiple submitters, no conflicts (2 of 4 stars). 7 submissions from 7 submitters: Pathogenic (7). Last evaluated 2024-10-04.

Conditions:
DYRK1A-related disorder.
DYRK1A-related intellectual disability syndrome (MRD7). Also called: Intellectual developmental disorder, autosomal dominant 7; DYRK1A Syndrome. Identifiers: Orphanet 464306, MedGen C5568143, MONDO:0013578, OMIM 614104.
Global developmental delay (DD). Also called: Cognitive delay. Identifiers: MedGen C0557874, HP:0001263. Disease mechanism: loss of function.

Submissions (7):

Blueprint Genetics
Classification: Pathogenic for DYRK1A-related disorders. Last evaluated: 2024-10-04. Review status: criteria provided, single submitter. Criteria: ACMG Guidelines, 2015. Collection method: clinical testing. Allele origin: de novo. Affected: yes. Observed: 2 variant alleles.

GeneDx
Classification: Pathogenic. Last evaluated: 2022-10-19. Review status: criteria provided, single submitter. Criteria: GeneDx Variant Classification Process June 2021. Collection method: clinical testing. Allele origin: germline. Affected: yes.
Comment: Nonsense variant predicted to result in protein truncation or nonsense mediated decay in a gene for which loss-of-function is a known mechanism of disease; Not observed in large population cohorts (gnomAD); This variant is associated with the following publications: (PMID: 26922654, 28053047, 33880059, 31785789)

Department of Genetics, Rouen University Hospital, Normandy Center for Genomic and Personalized Medicine
Classification: Pathogenic for DYRK1A-related intellectual disability syndrome. Last evaluated: 2020-01-04. Review status: criteria provided, single submitter. Criteria: ACMG Guidelines, 2015. Collection method: clinical testing. Allele origin: de novo. Affected: yes.

Cytogénomique, Hospices Civils de Lyon
Classification: Pathogenic for Global developmental delay. Last evaluated: 2019-11-01. Review status: criteria provided, single submitter. Criteria: ACMG Guidelines, 2015. Collection method: clinical testing. Allele origin: de novo. Affected: yes.

Illumina Laboratory Services, Illumina
Classification: Pathogenic for DYRK1A-related intellectual disability syndrome. Last evaluated: 2018-02-13. Review status: criteria provided, single submitter. Criteria: ICSLVariantClassificationCriteria RUGD 01 April 2020. Collection method: clinical testing. Allele origin: unknown.
Comment: The DYRK1A c.787C>T (p.Arg263Ter) stop-gained variant has been reported in two patients in the literature in a de novo state (Luco et al. 2016; Evers et al. 2017). Both patients had intellectual disability, microcephaly (post-natal onset specified for at least one patient), developmental delay and deeply set eyes in common. Control data are unavailable for this variant. This variant is absent from the Genome Aggregation Database. Based on the available evidence, the c.787C>T (p.Arg263Ter) variant is classified as pathogenic for DYRK1A-related intellectual disability syndrome.

CeGaT Center for Human Genetics Tuebingen
Classification: Pathogenic. Last evaluated: 2017-06-01. Review status: criteria provided, single submitter. Criteria: CeGaT Center For Human Genetics Tuebingen Variant Classification Criteria Version 2. Collection method: clinical testing. Allele origin: germline. Affected: yes. Observed: 1 variant allele.

Juno Genomics, Hangzhou Juno Genomics, Inc
Classification: Pathogenic for DYRK1A-related intellectual disability syndrome. Review status: criteria provided, single submitter. Criteria: ACMG Guidelines, 2015. Collection method: clinical testing. Allele origin: germline. Affected: yes.
Comment: Absent from controls (or at extremely low frequency if recessive) in Genome Aggregation Database, Exome Sequencing Project, 1000 Genomes Project, or Exome Aggregation Consortium.;Null variant in a gene where loss of function (LOF) is a known mechanism of disease.;De novo (both maternity and paternity confirmed) in a patient with the disease and no family history.;The prevalence of the variant in affected individuals is significantly increased compared to the prevalence in controls.

NM_001347721.2(DYRK1A):c.760C>T (p.Arg254Ter)

Gene: DYRK1A (dual specificity tyrosine phosphorylation regulated kinase 1A; plus strand). Cytogenetic location: 21q22.13.
Variant type: single nucleotide variant.
Coding change: c.760C>T on transcript NM_001347721.2 (MANE Select); coding-DNA position 760, C replaced by T.
Protein change: p.Arg254Ter; replaces arginine 254 with a stop codon.
Molecular consequence: nonsense.
Genome position (GRCh38, 1-based): chr21:37,490,297, C>T. VCF-style: chr21-37490297-C-T. GRCh37 (hg19) VCF-style: chr21-38862599-C-T.
Other names: c.760C>T, p.Arg254Ter (NM_001347722.2, NM_130436.2); c.673C>T, p.Arg225Ter (NM_001347723.2); c.787C>T, p.Arg263Ter (NM_001396.5, NM_101395.2, NM_130438.2); short protein forms R263*, R225*, R254*.
Identifiers: ClinVar variation 279970 (VCV000279970.52), dbSNP rs886041291, ClinGen allele CA10603500.